The following is an entry in ClinVar:

NM_152268.4(PARS2):c.1270G>A (p.Asp424Asn)

Gene: PARS2 (prolyl-tRNA synthetase 2, mitochondrial; minus strand). Cytogenetic location: 1p32.3.
Variant type: single nucleotide variant.
Coding change: c.1270G>A on transcript NM_152268.4 (MANE Select); coding-DNA position 1270, G replaced by A.
Protein change: p.Asp424Asn; replaces aspartic acid 424 with asparagine.
Molecular consequence: missense variant.
Genome position (GRCh38, 1-based): chr1:54,757,892, C>T on the plus strand (G>A on the coding strand, the complement: PARS2 is on the minus strand). VCF-style: chr1-54757892-C-T. GRCh37 (hg19) VCF-style: chr1-55223565-C-T.
Other names: short protein forms D424N.
Identifiers: ClinVar variation 5009607 (VCV005009607.1).

ClinVar aggregate classification (germline): Uncertain significance (1 of 4 stars; one submission).

Submission:

GeneDx
Classification: Uncertain significance. Last evaluated: 2026-02-18. Review status: criteria provided, single submitter. Criteria: GeneDx Variant Classification Process June 2021. Collection method: clinical testing. Allele origin: germline.
Comment: Not observed at significant frequency in large population cohorts (gnomAD); In silico analysis supports that this missense variant has a deleterious effect on protein structure/function; Has not been previously published as pathogenic or benign to our knowledge